The following is an entry in ClinVar:

NM_001379500.1(COL18A1):c.796A>C (p.Thr266Pro)

Gene: COL18A1 (collagen type XVIII alpha 1 chain; plus strand). Cytogenetic location: 21q22.3.
Variant type: single nucleotide variant.
Coding change: c.796A>C on transcript NM_001379500.1 (MANE Select); coding-DNA position 796, A replaced by C.
Protein change: p.Thr266Pro; replaces threonine 266 with proline.
Molecular consequence: missense variant.
Genome position (GRCh38, 1-based): chr21:45,475,533, A>C. VCF-style: chr21-45475533-A-C. GRCh37 (hg19) VCF-style: chr21-46895447-A-C.
Other names: c.1336A>C, p.Thr446Pro (NM_030582.4); c.2041A>C, p.Thr681Pro (NM_130444.3); short protein forms T681P, T266P, T446P.
Identifiers: ClinVar variation 1501222 (VCV001501222.6), dbSNP rs2145915703, ClinGen allele CA410513658.
Genomic context (GRCh38, chr21:45,475,533, plus strand): 5'-CAGGCATCCGGAGACTCTGGCAGCGGGCTCGGGGACGCCCGGGAGCTTCTCAGGGAGGAG[A>C]CGGTGAGTAGCCGGACGGGGCCCAGCCCACGCTGCAGGGTCCCGGGAGAGCCCCTCCCAG-3'
Protein context (NP_001366429.1, residues 256-276): GDARELLREE[Thr266Pro]GAALKPRLPA

ClinVar aggregate classification (germline): Uncertain significance (1 of 4 stars; one submission).

Allele frequency attached by ClinVar (database versions not stated): gnomAD exomes below 0.00001.
gnomAD v4.1: 1 of 1,605,600 alleles (0.000062%); highest among the groups gnomAD compares: Non-Finnish European, 0.000085%; no homozygotes.

Submission:

Labcorp Genetics (formerly Invitae), Labcorp
Classification: Uncertain significance. Last evaluated: 2025-08-16. Review status: criteria provided, single submitter. Criteria: Invitae Variant Classification Sherloc (09022015). Collection method: clinical testing. Allele origin: germline.
Comment: This sequence change replaces threonine, which is neutral and polar, with proline, which is neutral and non-polar, at codon 266 of the COL18A1 protein (p.Thr266Pro). This variant is not present in population databases (gnomAD no frequency). This variant has not been reported in the literature in individuals affected with COL18A1-related conditions. ClinVar contains an entry for this variant (Variation ID: 1501222). Experimental studies and prediction algorithms are not available or were not evaluated, and the functional significance of this variant is currently unknown. In summary, the available evidence is currently insufficient to determine the role of this variant in disease. Therefore, it has been classified as a Variant of Uncertain Significance.